The following is an entry in ClinVar:

NM_020975.6(RET):c.1633C>A (p.Gln545Lys)

Gene: RET (ret proto-oncogene; plus strand). Cytogenetic location: 10q11.21.
Variant type: single nucleotide variant.
Coding change: c.1633C>A on transcript NM_020975.6 (MANE Select); coding-DNA position 1633, C replaced by A.
Protein change: p.Gln545Lys; replaces glutamine 545 with lysine.
Molecular consequence: missense variant.
Genome position (GRCh38, 1-based): chr10:43,112,209, C>A. VCF-style: chr10-43112209-C-A. GRCh37 (hg19) VCF-style: chr10-43607657-C-A.
Other names: c.1633C>A, p.Gln545Lys (NM_001406763.1, NM_001406765.1, NM_000323.2 and 6 more transcripts); c.1504C>A, p.Gln502Lys (NM_001406764.1, NM_001406768.1, NM_001406761.1 and 1 more transcripts); c.1345C>A, p.Gln449Lys (NM_001406766.1, NM_001406767.1, NM_001406770.1); c.1237C>A, p.Gln413Lys (NM_001406769.1, NM_001406772.1); c.1195C>A, p.Gln399Lys (NM_001406771.1, NM_001406773.1); c.871C>A, p.Gln291Lys (NM_001355216.2); c.1108C>A, p.Gln370Lys (NM_001406774.1); c.907C>A, p.Gln303Lys (NM_001406775.1, NM_001406776.1, NM_001406777.1 and 1 more transcripts); and 5 more; short protein forms Q291K, Q545K, Q150K, Q246K, Q399K, Q413K, Q449K, Q502K.
Identifiers: ClinVar variation 1312671 (VCV001312671.8), dbSNP rs890269439, ClinGen allele CA206261803.
Genomic context (GRCh38, chr10:43,112,209, plus strand): 5'-CGGCTGGAGTGTGAGGAGTGTGGCGGCCTGGGCTCCCCAACAGGCAGGTGTGAGTGGAGG[C>A]AAGGAGATGGCAAAGGTAAGCCCTGGAAACGCCCAAGGGAGGCCTGCAGGGGCGATGGCA-3'
Protein context (NP_066124.1, residues 535-555): GSPTGRCEWR[Gln545Lys]GDGKGITRNF

ClinVar aggregate classification (germline): Uncertain significance. Review status: criteria provided, multiple submitters, no conflicts (2 of 4 stars). 3 submissions from 3 submitters: Uncertain significance (3). Last evaluated 2023-09-26.

Conditions:
Multiple endocrine neoplasia, type 2 (MEN2). Identifiers: Orphanet 653, MedGen C4048306, MONDO:0019003. Disease mechanism: gain of function.
Hirschsprung disease, susceptibility to, 1 (HSCR1). Also called: RET-Related Hirschsprung Disease. Identifiers: Orphanet 388, MedGen C3888239, MONDO:0007723, OMIM 142623.

Allele frequency attached by ClinVar (database versions not stated): gnomAD exomes below 0.00001; TOPMed below 0.00001.
gnomAD v4.1: 2 of 1,556,154 alleles (0.00013%); highest among the groups gnomAD compares: Non-Finnish European, 0.00017%; no homozygotes.

Submissions (3):

Baylor Genetics
Classification: Uncertain significance for Hirschsprung disease, susceptibility to, 1. Last evaluated: 2023-09-26. Review status: criteria provided, single submitter. Criteria: ACMG Guidelines, 2015. Collection method: clinical testing. Allele origin: unknown.

Labcorp Genetics (formerly Invitae), Labcorp
Classification: Uncertain significance for Multiple endocrine neoplasia, type 2. Last evaluated: 2023-02-04. Review status: criteria provided, single submitter. Criteria: Invitae Variant Classification Sherloc (09022015). Collection method: clinical testing. Allele origin: germline.
Comment: In summary, the available evidence is currently insufficient to determine the role of this variant in disease. Therefore, it has been classified as a Variant of Uncertain Significance. Algorithms developed to predict the effect of missense changes on protein structure and function are either unavailable or do not agree on the potential impact of this missense change (SIFT: "Tolerated"; PolyPhen-2: "Possibly Damaging"; Align-GVGD: "Class C0"). ClinVar contains an entry for this variant (Variation ID: 1312671). This variant has not been reported in the literature in individuals affected with RET-related conditions. This variant is not present in population databases (gnomAD no frequency). This sequence change replaces glutamine, which is neutral and polar, with lysine, which is basic and polar, at codon 545 of the RET protein (p.Gln545Lys).

GeneDx
Classification: Uncertain significance. Last evaluated: 2020-06-03. Review status: criteria provided, single submitter. Criteria: GeneDx Variant Classification Process June 2021. Collection method: clinical testing. Allele origin: germline. Affected: yes.
Comment: Not observed in large population cohorts (Lek et al., 2016); In silico analysis supports that this missense variant does not alter protein structure/function; Has not been previously published as pathogenic or benign to our knowledge